The following is an entry in ClinVar:

NM_002834.5(PTPN11):c.1716G>A (p.Met572Ile)

Gene: PTPN11 (protein tyrosine phosphatase non-receptor type 11; plus strand). Cytogenetic location: 12q24.13.
Variant type: single nucleotide variant.
Coding change: c.1716G>A on transcript NM_002834.5 (MANE Select); coding-DNA position 1716, G replaced by A.
Protein change: p.Met572Ile; replaces methionine 572 with isoleucine.
Molecular consequence: missense variant.
Genome position (GRCh38, 1-based): chr12:112,504,698, G>A. VCF-style: chr12-112504698-G-A. GRCh37 (hg19) VCF-style: chr12-112942502-G-A.
Other names: c.1728G>A, p.Met576Ile (NM_001330437.2); c.1713G>A, p.Met571Ile (NM_001374625.1); short protein forms M571I, M576I, M572I.
Identifiers: ClinVar variation 2010627 (VCV002010627.4), dbSNP rs2540479301, ClinGen allele CA386784147.

ClinVar aggregate classification (germline): Uncertain significance (1 of 4 stars; one submission).

Conditions:
RASopathy. Also called: rasopathies; Noonan spectrum disorder. Identifiers: Orphanet 536391, MedGen C5555857, MONDO:0021060.

Submission:

Labcorp Genetics (formerly Invitae), Labcorp
Classification: Uncertain significance for RASopathy. Last evaluated: 2022-07-23. Review status: criteria provided, single submitter. Criteria: Invitae Variant Classification Sherloc (09022015). Collection method: clinical testing. Allele origin: germline.
Comment: In summary, the available evidence is currently insufficient to determine the role of this variant in disease. Therefore, it has been classified as a Variant of Uncertain Significance. Advanced modeling of protein sequence and biophysical properties (such as structural, functional, and spatial information, amino acid conservation, physicochemical variation, residue mobility, and thermodynamic stability) performed at Invitae indicates that this missense variant is not expected to disrupt PTPN11 protein function. This variant has not been reported in the literature in individuals affected with PTPN11-related conditions. This variant is not present in population databases (gnomAD no frequency). This sequence change replaces methionine, which is neutral and non-polar, with isoleucine, which is neutral and non-polar, at codon 572 of the PTPN11 protein (p.Met572Ile).